The following is an entry in ClinVar:

NM_005912.3(MC4R):c.193G>A (p.Val65Met)

Gene: MC4R (melanocortin 4 receptor; minus strand). Cytogenetic location: 18q21.32.
Variant type: single nucleotide variant.
Coding change: c.193G>A on transcript NM_005912.3 (MANE Select); coding-DNA position 193, G replaced by A.
Protein change: p.Val65Met; replaces valine 65 with methionine.
Molecular consequence: missense variant.
Genome position (GRCh38, 1-based): chr18:60,372,157, C>T on the plus strand (G>A on the coding strand, the complement: MC4R is on the minus strand). VCF-style: chr18-60372157-C-T. GRCh37 (hg19) VCF-style: chr18-58039390-C-T.
Other names: short protein forms V65M.
Identifiers: ClinVar variation 4993249 (VCV004993249.1).
Genomic context (GRCh38, chr18:60,372,157, plus strand): 5'-TGCAGATGAAAAAGTACATGGGTGAATGCAGATTCTTGTTCTTGGCTATTGCCACAATCA[C>T]TAAGATATTCTCCAACAAGCTGATGACACCCAGAGTCACAAACACCTCAGGAGAGACAAA-3'
Protein context (NP_005903.2, residues 55-75): GVISLLENIL[Val65Met]IVAIAKNKNL

ClinVar aggregate classification (germline): Uncertain significance (1 of 4 stars; one submission).

Conditions:
MC4R-related disorder. Also called: MC4R-related condition.

Submission:

PreventionGenetics, part of Exact Sciences
Classification: Uncertain significance for MC4R-related condition. Last evaluated: 2026-04-27. Review status: criteria provided, single submitter. Criteria: ACMG Guidelines, 2015. Collection method: clinical testing. Allele origin: germline.
Comment: The MC4R c.193G>A variant is predicted to result in the amino acid substitution p.Val65Met. To our knowledge, this variant has not been reported in the literature or in a large population database (gnomAD), indicating this variant is rare. At this time, the clinical significance of this variant is uncertain due to the absence of conclusive functional and genetic evidence.